The following is an entry in ClinVar:

ClinVar aggregate classification (germline): Likely benign (1 of 4 stars; one submission).

Allele frequency attached by ClinVar (database versions not stated): gnomAD 0.00001 and 0.00003; TOPMed 0.00002; gnomAD exomes 0.00003 and 0.00005; ExAC 0.00015.
gnomAD v4.1: 42 of 1,573,978 alleles (0.0027%); highest among the groups gnomAD compares: South Asian, 0.038%; no homozygotes.

Submission:

GeneDx
Classification: Likely benign. Last evaluated: 2017-06-28. Review status: criteria provided, single submitter. Criteria: GeneDx Variant Classification (06012015). Collection method: clinical testing. Allele origin: germline. Affected: yes.
Comment: This variant is considered likely benign or benign based on one or more of the following criteria: it is a conservative change, it occurs at a poorly conserved position in the protein, it is predicted to be benign by multiple in silico algorithms, and/or has population frequency not consistent with disease.

NM_000393.5(COL5A2):c.-37T>G

Gene: COL5A2 (collagen type V alpha 2 chain; minus strand). Cytogenetic location: 2q32.2.
Variant type: single nucleotide variant.
Coding change: c.-37T>G on transcript NM_000393.5 (MANE Select); 37 bases upstream of the start codon, T replaced by G.
Molecular consequence: 5 prime UTR variant.
Genome position (GRCh38, 1-based): chr2:189,179,641, A>C on the plus strand (T>G on the coding strand, the complement: COL5A2 is on the minus strand). VCF-style: chr2-189179641-A-C. GRCh37 (hg19) VCF-style: chr2-190044367-A-C.
Identifiers: ClinVar variation 518037 (VCV000518037.1), dbSNP rs780293852, ClinGen allele CA2023227.